The following is an entry in ClinVar:

NM_001267550.2(TTN):c.4284T>A (p.Ser1428=)

Genes: TTN (titin; minus strand), LOC101927055 (uncharacterized LOC101927055; plus strand). Cytogenetic location: 2q31.2.
Variant type: single nucleotide variant.
Coding change: c.4284T>A on transcript NM_001267550.2 (MANE Select); coding-DNA position 4284, T replaced by A.
Protein change: p.Ser1428=; no amino-acid change (serine 1428 retained).
Molecular consequence: synonymous variant. On other transcripts: non-coding transcript variant (1).
Genome position (GRCh38, 1-based): chr2:178,777,900, A>T on the plus strand (T>A on the coding strand, the complement: TTN is on the minus strand). VCF-style: chr2-178777900-A-T. GRCh37 (hg19) VCF-style: chr2-179642627-A-T.
Other names: c.4284T>A, p.Ser1428= (NM_001256850.1, NM_133378.4, NM_133379.5); c.4146T>A, p.Ser1382= (NM_003319.4, NM_133432.3, NM_133437.4).
Identifiers: ClinVar variation 498272 (VCV000498272.22), dbSNP rs771454835, ClinGen allele CA2005346.

ClinVar aggregate classification (germline): Conflicting classifications of pathogenicity. Review status: criteria provided, conflicting classifications (1 of 4 stars). 5 submissions from 5 submitters: Uncertain significance (1); Likely benign (4). Last evaluated 2025-11-01.

Conditions:
TTN-related disorder. Also called: TTN-related condition; TTN-related disease; TTN-related disorders.
Dilated cardiomyopathy 1G (CMD1G). Identifiers: Orphanet 154, MedGen C1858763, MONDO:0011400, OMIM 604145.
Autosomal recessive limb-girdle muscular dystrophy type 2J (LGMDR10). Also called: Limb-girdle muscular dystrophy, type 2J; MUSCULAR DYSTROPHY, LIMB-GIRDLE, AUTOSOMAL RECESSIVE 10. Identifiers: Orphanet 140922, MedGen C1837342, MONDO:0012127, OMIM 608807.
Cardiovascular phenotype. Identifiers: MedGen CN230736.

Allele frequency attached by ClinVar (database versions not stated): gnomAD exomes 0.00002 and 0.00004; TOPMed 0.00002; ExAC 0.00003.

Submissions (5):

CeGaT Center for Human Genetics Tuebingen
Classification: Likely benign. Last evaluated: 2025-11-01. Review status: criteria provided, single submitter. Criteria: CeGaT Center For Human Genetics Tuebingen Variant Classification Criteria Version 2. Collection method: clinical testing. Allele origin: germline. Affected: yes. Observed: 1 variant allele.
Comment: TTN: BP4, BP7

Labcorp Genetics (formerly Invitae), Labcorp
Classification: Likely benign for Dilated cardiomyopathy 1G; Autosomal recessive limb-girdle muscular dystrophy type 2J. Last evaluated: 2025-09-24. Review status: criteria provided, single submitter. Criteria: Invitae Variant Classification Sherloc (09022015). Collection method: clinical testing. Allele origin: germline.

PreventionGenetics, part of Exact Sciences
Classification: Likely benign for TTN-related condition. Last evaluated: 2025-09-15. Review status: criteria provided, single submitter. Criteria: ACMG Guidelines, 2015. Collection method: clinical testing. Allele origin: germline.
Comment: This variant is classified as likely benign based on ACMG/AMP sequence variant interpretation guidelines (Richards et al. 2015 PMID: 25741868, with internal and published modifications).

Ambry Genetics
Classification: Likely benign for Cardiovascular phenotype. Last evaluated: 2022-04-04. Review status: criteria provided, single submitter. Criteria: Ambry Variant Classification Scheme 2023. Collection method: clinical testing. Allele origin: germline.

Eurofins Ntd Llc (ga)
Classification: Uncertain significance. Last evaluated: 2017-02-08. Review status: criteria provided, single submitter. Criteria: EGL Classification Definitions 2015. Collection method: clinical testing. Allele origin: germline. Observed: 3 variant alleles, 3 heterozygotes.